The following is an entry in ClinVar:

NM_005157.6(ABL1):c.772G>A (p.Glu258Lys)

Gene: ABL1 (ABL proto-oncogene 1, non-receptor tyrosine kinase; plus strand). Cytogenetic location: 9q34.12.
Variant type: single nucleotide variant.
Coding change: c.772G>A on transcript NM_005157.6 (MANE Select); coding-DNA position 772, G replaced by A.
Protein change: p.Glu258Lys; replaces glutamic acid 258 with lysine.
Molecular consequence: missense variant.
Genome position (GRCh38, 1-based): chr9:130,862,985, G>A. VCF-style: chr9-130862985-G-A. GRCh37 (hg19) VCF-style: chr9-133738372-G-A.
Other names: c.829G>A, p.Glu277Lys (NM_007313.3); short protein forms E277K, E258K.
Identifiers: ClinVar variation 2798616 (VCV002798616.3), dbSNP rs144579827, ClinGen allele CA5285277.

ClinVar aggregate classification (germline): Uncertain significance (1 of 4 stars; one submission).

Allele frequency attached by ClinVar (database versions not stated): ExAC 0.00001; gnomAD exomes 0.00001; TOPMed 0.00001; ESP Exome Variant Server 0.00008.

Submission:

Labcorp Genetics (formerly Invitae), Labcorp
Classification: Uncertain significance. Last evaluated: 2022-12-10. Review status: criteria provided, single submitter. Criteria: Invitae Variant Classification Sherloc (09022015). Collection method: clinical testing. Allele origin: germline.
Comment: This sequence change replaces glutamic acid, which is acidic and polar, with lysine, which is basic and polar, at codon 277 of the ABL1 protein (p.Glu277Lys). In summary, the available evidence is currently insufficient to determine the role of this variant in disease. Therefore, it has been classified as a Variant of Uncertain Significance. Algorithms developed to predict the effect of missense changes on protein structure and function (SIFT, PolyPhen-2, Align-GVGD) all suggest that this variant is likely to be disruptive. This variant has not been reported in the literature in individuals affected with ABL1-related conditions. This variant is present in population databases (rs144579827, gnomAD 0.007%).